The following is an entry in ClinVar:

NM_000540.3(RYR1):c.14868+1G>C

Gene: RYR1 (ryanodine receptor 1; plus strand). Cytogenetic location: 19q13.2.
Variant type: single nucleotide variant.
Coding change: c.14868+1G>C on transcript NM_000540.3 (MANE Select); the canonical splice donor site of the intron after coding-DNA position 14868, G replaced by C.
Molecular consequence: splice donor variant.
Genome position (GRCh38, 1-based): chr19:38,586,003, G>C. VCF-style: chr19-38586003-G-C. GRCh37 (hg19) VCF-style: chr19-39076643-G-C.
Other names: c.14853+1G>C (NM_001042723.2).
Identifiers: ClinVar variation 1478885 (VCV001478885.6), dbSNP rs751692413, ClinGen allele CA405692558.

ClinVar aggregate classification (germline): Likely pathogenic (1 of 4 stars; one submission).

Conditions:
RYR1-related disorder. Also called: RYR1-related condition; RYR1-related disorders. Identifiers: MedGen CN239331.

Submission:

Labcorp Genetics (formerly Invitae), Labcorp
Classification: Likely pathogenic for RYR1-related disorder. Last evaluated: 2021-07-21. Review status: criteria provided, single submitter. Criteria: Invitae Variant Classification Sherloc (09022015). Collection method: clinical testing. Allele origin: germline.
Comment: This sequence change affects a donor splice site in intron 103 of the RYR1 gene. It is expected to disrupt RNA splicing. Variants that disrupt the donor or acceptor splice site typically lead to a loss of protein function (PMID: 16199547), and loss-of-function variants in RYR1 are known to be pathogenic (PMID: 20583297, 20839240, 23919265, 28818389). This variant is not present in population databases (ExAC no frequency). This variant has not been reported in the literature in individuals affected with RYR1-related conditions. Algorithms developed to predict the effect of sequence changes on RNA splicing suggest that this variant may disrupt the consensus splice site. In summary, the currently available evidence indicates that the variant is pathogenic, but additional data are needed to prove that conclusively. Therefore, this variant has been classified as Likely Pathogenic.

Literature cited by the submitters: PubMed 16199547; PubMed 20583297; PubMed 20839240; PubMed 23919265; PubMed 28818389.